The following is an entry in ClinVar:

ClinVar aggregate classification (germline): Uncertain significance (1 of 4 stars; one submission).

Conditions:
Hereditary cancer-predisposing syndrome. Also called: Hereditary neoplastic syndrome; Tumor predisposition; Hereditary Cancer Syndrome; Neoplastic Syndromes, Hereditary. Identifiers: Orphanet 140162, MedGen C0027672, MeSH D009386, MONDO:0015356.

Submission:

Ambry Genetics
Classification: Uncertain significance for Hereditary cancer-predisposing syndrome. Last evaluated: 2023-08-06. Review status: criteria provided, single submitter. Criteria: Ambry Variant Classification Scheme 2023. Collection method: clinical testing. Allele origin: germline.
Comment: The p.Y790C variant (also known as c.2369A>G), located in coding exon 23 of the RB1 gene, results from an A to G substitution at nucleotide position 2369. The tyrosine at codon 790 is replaced by cysteine, an amino acid with highly dissimilar properties. This amino acid position is conserved. In addition, this alteration is predicted to be deleterious by in silico analysis. Since supporting evidence is limited at this time, the clinical significance of this alteration remains unclear.

NM_000321.3(RB1):c.2369A>G (p.Tyr790Cys)

Gene: RB1 (RB transcriptional corepressor 1; plus strand). Cytogenetic location: 13q14.2.
Variant type: single nucleotide variant.
Coding change: c.2369A>G on transcript NM_000321.3 (MANE Select); coding-DNA position 2369, A replaced by G.
Protein change: p.Tyr790Cys; replaces tyrosine 790 with cysteine.
Molecular consequence: missense variant.
Genome position (GRCh38, 1-based): chr13:48,465,248, A>G. VCF-style: chr13-48465248-A-G. GRCh37 (hg19) VCF-style: chr13-49039384-A-G.
Other names: c.2369A>G, p.Tyr790Cys (NM_001407165.1); short protein forms Y790C.
Identifiers: ClinVar variation 2585732 (VCV002585732.2), dbSNP rs2138345647, ClinGen allele CA388167836.
Genomic context (GRCh38, chr13:48,465,248, plus strand): 5'-TTTTGTTTTTGCTCTAGCCCCCTACCTTGTCACCAATACCTCACATTCCTCGAAGCCCTT[A>G]CAAGTTTCCTAGTTCACCCTTACGGATTCCTGGAGGGAACATCTATATTTCACCCCTGAA-3'
Protein context (NP_000312.2, residues 780-800): SPIPHIPRSP[Tyr790Cys]KFPSSPLRIP